The following is an entry in ClinVar:

ClinVar aggregate classification (germline): Uncertain significance. Review status: criteria provided, multiple submitters, no conflicts (2 of 4 stars). 2 submissions from 2 submitters: Uncertain significance (2). Last evaluated 2026-09-01.

Conditions:
Inborn genetic diseases. Identifiers: MedGen C0950123, MeSH D030342.

gnomAD v4.1: 3 of 1,613,990 alleles (0.00019%); highest among the groups gnomAD compares: Non-Finnish European, 0.00025%; no homozygotes.

Submissions (2):

Ambry Genetics
Classification: Uncertain significance for Inborn genetic diseases. Last evaluated: 2026-09-01. Review status: criteria provided, single submitter. Criteria: Ambry Variant Classification Scheme 2023. Collection method: clinical testing. Allele origin: germline.
Comment: The c.4835C>G (p.P1612R) alteration is located in exon 42 (coding exon 41) of the NALCN gene. This alteration results from a C to G substitution at nucleotide position 4835, causing the proline (P) at amino acid position 1612 to be replaced by an arginine (R). Based on data from gnomAD, the G allele has an overall frequency of <0.001% (1/251420) total alleles studied. The highest observed frequency was <0.001% (/) of alleles. Based on insufficient or conflicting evidence, the clinical significance of this alteration remains unclear.

Blueprint Genetics
Classification: Uncertain significance. Last evaluated: 2023-08-23. Review status: criteria provided, single submitter. Criteria: ACMG Guidelines, 2015. Collection method: clinical testing. Allele origin: germline.

NM_052867.4(NALCN):c.4835C>G (p.Pro1612Arg)

Gene: NALCN (sodium leak channel, non-selective; minus strand). Cytogenetic location: 13q32.3.
Variant type: single nucleotide variant.
Coding change: c.4835C>G on transcript NM_052867.4 (MANE Select); coding-DNA position 4835, C replaced by G.
Protein change: p.Pro1612Arg; replaces proline 1612 with arginine.
Molecular consequence: missense variant.
Genome position (GRCh38, 1-based): chr13:101,059,888, G>C on the plus strand (C>G on the coding strand, the complement: NALCN is on the minus strand). VCF-style: chr13-101059888-G-C. GRCh37 (hg19) VCF-style: chr13-101712240-G-C.
Other names: c.4922C>G, p.Pro1641Arg (NM_001350748.2); c.4835C>G, p.Pro1612Arg (NM_001350749.2); c.4748C>G, p.Pro1583Arg (NM_001350750.2, NM_001350751.2); c.4835C>G (NM_052867.2); short protein forms P1583R, P1612R, P1641R.
Identifiers: ClinVar variation 4920345 (VCV004920345.2).